The following is an entry in ClinVar:

NM_001005337.3(PKP1):c.2092G>T (p.Gly698Cys)

Gene: PKP1 (plakophilin 1; plus strand). Cytogenetic location: 1q32.1.
Variant type: single nucleotide variant.
Coding change: c.2092G>T on transcript NM_001005337.3 (MANE Select); coding-DNA position 2092, G replaced by T.
Protein change: p.Gly698Cys; replaces glycine 698 with cysteine.
Molecular consequence: missense variant.
Genome position (GRCh38, 1-based): chr1:201,325,824, G>T. VCF-style: chr1-201325824-G-T. GRCh37 (hg19) VCF-style: chr1-201294952-G-T.
Other names: c.2155G>T, p.Gly719Cys (NM_000299.4); short protein forms G698C, G719C.
Identifiers: ClinVar variation 1314544 (VCV001314544.2), dbSNP rs142615612, ClinGen allele CA36039335.

ClinVar aggregate classification (germline): Uncertain significance (1 of 4 stars; one submission).

Allele frequency attached by ClinVar (database versions not stated): TOPMed below 0.00001; gnomAD 0.00001; gnomAD exomes 0.00001; 1000 Genomes Project 30x 0.00016; 1000 Genomes Project 0.00020.
gnomAD v4.1: 19 of 1,613,636 alleles (0.0012%); highest among the groups gnomAD compares: Non-Finnish European, 0.0016%; no homozygotes.

Submission:

GeneDx
Classification: Uncertain significance. Last evaluated: 2021-04-14. Review status: criteria provided, single submitter. Criteria: GeneDx Variant Classification Process June 2021. Collection method: clinical testing. Allele origin: germline. Affected: yes.
Comment: Not observed in large population cohorts (Lek et al., 2016); In silico analysis supports that this missense variant has a deleterious effect on protein structure/function; Has not been previously published as pathogenic or benign to our knowledge